The following is an entry in ClinVar:

NM_001035.3(RYR2):c.12859T>C (p.Tyr4287His)

Genes: RYR2 (ryanodine receptor 2; plus strand), LOC126806068 (BRD4-independent group 4 enhancer GRCh37_chr1:237947411-237948610; plus strand). Cytogenetic location: 1q43.
Variant type: single nucleotide variant.
Coding change: c.12859T>C on transcript NM_001035.3 (MANE Select); coding-DNA position 12859, T replaced by C.
Protein change: p.Tyr4287His; replaces tyrosine 4287 with histidine.
Molecular consequence: missense variant.
Genome position (GRCh38, 1-based): chr1:237,784,571, T>C. VCF-style: chr1-237784571-T-C. GRCh37 (hg19) VCF-style: chr1-237947871-T-C.
Other names: short protein forms Y4287H.
Identifiers: ClinVar variation 165127 (VCV000165127.22), dbSNP rs190009333, ClinGen allele CA007731.
Genomic context (GRCh38, chr1:237,784,571, plus strand): 5'-CAGATGAAAAAAGTAAAAAAGATGACCGTGAAGGACATGGTCACGGCCTTCTTTTCATCC[T>C]ACTGGAGTATTTTCATGACCCTCTTGCACTTCGTGGCCAGCGTTTTCAGAGGCTTTTTCC-3'
Protein context (NP_001026.2, residues 4277-4297): KDMVTAFFSS[Tyr4287His]WSIFMTLLHF

ClinVar aggregate classification (germline): Conflicting classifications of pathogenicity. Review status: criteria provided, conflicting classifications (1 of 4 stars). 6 submissions from 6 submitters: Uncertain significance (5); Likely benign (1). Last evaluated 2025-11-12.

Conditions:
Cardiovascular phenotype. Identifiers: MedGen CN230736.
Catecholaminergic polymorphic ventricular tachycardia (CVPT). Also called: Catecholamine-induced polymorphic ventricular tachycardia. Identifiers: Orphanet 3286, MedGen C5574922, MONDO:0017990.
Cardiomyopathy (CMYO). Also called: Cardiomyopathies. Identifiers: Orphanet 167848, MedGen C0878544, MONDO:0004994, HP:0001638. Inheritance: Various modes of inheritance.
Catecholaminergic polymorphic ventricular tachycardia 1. Also called: RYR2-Related Catecholaminergic Polymorphic Ventricular Tachycardia; VENTRICULAR TACHYCARDIA, STRESS-INDUCED POLYMORPHIC 1; VENTRICULAR TACHYCARDIA, CATECHOLAMINERGIC POLYMORPHIC, 1, WITH OR WITHOUT ATRIAL DYSFUNCTION AND/OR DILATED CARDIOMYOPATHY. Identifiers: Orphanet 3286, MedGen C1631597, MONDO:0011484, OMIM 604772.

Allele frequency attached by ClinVar (database versions not stated): gnomAD 0.00005 and 0.00004; ESP Exome Variant Server 0.00008; 1000 Genomes Project 30x 0.00016; 1000 Genomes Project 0.00020; ExAC 0.00001; TOPMed 0.00003.
gnomAD v4.1: 45 of 1,613,992 alleles (0.0028%); highest among the groups gnomAD compares: East Asian, 0.027%; no homozygotes.

Submissions (6):

Labcorp Genetics (formerly Invitae), Labcorp
Classification: Likely benign for Catecholaminergic polymorphic ventricular tachycardia 1. Last evaluated: 2025-11-12. Review status: criteria provided, single submitter. Criteria: Invitae Variant Classification Sherloc (09022015). Collection method: clinical testing. Allele origin: germline.

Color Diagnostics, LLC DBA Color Health
Classification: Uncertain significance for Cardiomyopathy. Last evaluated: 2024-12-23. Review status: criteria provided, single submitter. Criteria: ACMG Guidelines, 2015. Collection method: clinical testing. Allele origin: germline.
Comment: This missense variant replaces tyrosine with histidine at codon 4287 of the RYR2 protein. Computational prediction tool is inconclusive regarding the impact of this variant on protein structure and function. To our knowledge, functional studies have not been reported for this variant. This variant has not been reported in individuals affected with RYR2-related disorders in the literature. This variant has been identified in 6/280136 chromosomes in the general population by the Genome Aggregation Database (gnomAD). The available evidence is insufficient to determine the role of this variant in disease conclusively. Therefore, this variant is classified as a Variant of Uncertain Significance.

Ambry Genetics
Classification: Uncertain significance for Cardiovascular phenotype. Last evaluated: 2024-05-23. Review status: criteria provided, single submitter. Criteria: Ambry Variant Classification Scheme 2023. Collection method: clinical testing. Allele origin: germline.
Comment: The p.Y4287H variant (also known as c.12859T>C), located in coding exon 90 of the RYR2 gene, results from a T to C substitution at nucleotide position 12859. The tyrosine at codon 4287 is replaced by histidine, an amino acid with similar properties. This amino acid position is well conserved in available vertebrate species. In addition, this alteration is predicted to be tolerated by in silico analysis. Since supporting evidence is limited at this time, the clinical significance of this alteration remains unclear.

All of Us Research Program, National Institutes of Health
Classification: Uncertain significance for Catecholaminergic polymorphic ventricular tachycardia. Last evaluated: 2024-01-03. Review status: criteria provided, single submitter. Criteria: ACMG Guidelines, 2015. Collection method: clinical testing. Allele origin: germline. Inheritance: Autosomal dominant inheritance. Observed: 7 variant alleles, 7 heterozygotes.
Comment: This missense variant replaces tyrosine with histidine at codon 4287 of the RYR2 protein. Computational prediction is inconclusive regarding the impact of this variant on protein structure and function (internally defined REVEL score threshold 0.5 < inconclusive < 0.7, PMID: 27666373). To our knowledge, functional studies have not been reported for this variant. This variant has not been reported in individuals affected with cardiovascular disorders in the literature. This variant has been identified in 6/280136 chromosomes in the general population by the Genome Aggregation Database (gnomAD). The available evidence is insufficient to determine the role of this variant in disease conclusively. Therefore, this variant is classified as a Variant of Uncertain Significance.

This study involves interpretation of variants in research participants for the purpose of population health screening. Participant phenotype was not available at the time of variant classification. Additional details can be found in publication PMID: 35346344, PMCID: PMC8962531

Blueprint Genetics
Classification: Uncertain significance. Last evaluated: 2022-06-25. Review status: criteria provided, single submitter. Criteria: ACMG Guidelines, 2015. Collection method: clinical testing. Allele origin: germline.

Laboratory for Molecular Medicine, Mass General Brigham Personalized Medicine
Classification: Uncertain significance. Last evaluated: 2014-01-22. Review status: criteria provided, single submitter. Criteria: LMM Criteria. Collection method: clinical testing. Allele origin: germline. Observed: 1 variant allele.
Comment: The Tyr4287His variant in RYR2 has not been previously reported in individuals w ith cardiomyopathy, but has been identified in 1/194 Han Chinese chromosomes by the 1000 Genomes Project (dbSNP rs190009333) and in 1/8238 European American chr omosomes by the NHLBI Exome Sequencing Project. Computational analyses (biochemical amino acid properties, conservation, Ali gnGVGD, PolyPhen2, and SIFT) suggest that this variant may impact the protein, t hough this information is not predictive enough to determine pathogenicity. Addi tional information is needed to fully assess the clinical significance of this v ariant.